The following is an entry in ClinVar:

ClinVar aggregate classification (germline): Uncertain significance. Review status: criteria provided, multiple submitters, no conflicts (2 of 4 stars). 6 submissions from 6 submitters: Uncertain significance (6). Last evaluated 2026-08-19.

Conditions:
Catecholaminergic polymorphic ventricular tachycardia (CVPT). Also called: Catecholamine-induced polymorphic ventricular tachycardia. Identifiers: Orphanet 3286, MedGen C5574922, MONDO:0017990.
Cardiovascular phenotype. Identifiers: MedGen CN230736.
Cardiomyopathy (CMYO). Also called: Cardiomyopathies. Identifiers: Orphanet 167848, MedGen C0878544, MONDO:0004994, HP:0001638. Inheritance: Various modes of inheritance.
Catecholaminergic polymorphic ventricular tachycardia 1. Also called: VENTRICULAR TACHYCARDIA, CATECHOLAMINERGIC POLYMORPHIC, 1, WITH OR WITHOUT ATRIAL DYSFUNCTION AND/OR DILATED CARDIOMYOPATHY; RYR2-Related Catecholaminergic Polymorphic Ventricular Tachycardia; VENTRICULAR TACHYCARDIA, STRESS-INDUCED POLYMORPHIC 1. Identifiers: Orphanet 3286, MedGen C1631597, MONDO:0011484, OMIM 604772.

Allele frequency attached by ClinVar (database versions not stated): gnomAD exomes below 0.00001.
gnomAD v4.1: 1 of 1,537,096 alleles (0.000065%); no homozygotes.

Submissions (6):

GeneDx
Classification: Uncertain significance. Last evaluated: 2026-08-19. Review status: criteria provided, single submitter. Criteria: GeneDx Variant Classification Process June 2021. Collection method: clinical testing. Allele origin: germline.
Comment: Not observed at significant frequency in large population cohorts (gnomAD); In silico analysis supports that this missense variant has a deleterious effect on protein structure/function; Has not been previously published as pathogenic or benign to our knowledge; Not located in one of the three hot-spot regions of the RYR2 gene, where the majority of pathogenic missense variants occur (PMID: 19926015); This variant is associated with the following publications: (PMID: 19926015)

Labcorp Genetics (formerly Invitae), Labcorp
Classification: Uncertain significance for Catecholaminergic polymorphic ventricular tachycardia 1. Last evaluated: 2024-05-08. Review status: criteria provided, single submitter. Criteria: Invitae Variant Classification Sherloc (09022015). Collection method: clinical testing. Allele origin: germline.
Comment: This sequence change replaces methionine, which is neutral and non-polar, with threonine, which is neutral and polar, at codon 3296 of the RYR2 protein (p.Met3296Thr). This variant is not present in population databases (gnomAD no frequency). This variant has not been reported in the literature in individuals affected with RYR2-related conditions. ClinVar contains an entry for this variant (Variation ID: 235056). Advanced modeling of protein sequence and biophysical properties (such as structural, functional, and spatial information, amino acid conservation, physicochemical variation, residue mobility, and thermodynamic stability) performed at Invitae indicates that this missense variant is expected to disrupt RYR2 protein function with a positive predictive value of 95%. In summary, the available evidence is currently insufficient to determine the role of this variant in disease. Therefore, it has been classified as a Variant of Uncertain Significance.

Color Diagnostics, LLC DBA Color Health
Classification: Uncertain significance for Cardiomyopathy. Last evaluated: 2024-03-06. Review status: criteria provided, single submitter. Criteria: ACMG Guidelines, 2015. Collection method: clinical testing. Allele origin: germline.
Comment: This missense variant replaces methionine with threonine at codon 3296 of the RYR2 protein. Computational prediction suggests that this variant may have deleterious impact on protein structure and function (internally defined REVEL score threshold >= 0.7, PMID: 27666373). To our knowledge, functional studies have not been reported for this variant. This variant has not been reported in individuals affected with cardiovascular disorders in the literature. This variant has not been identified in the general population by the Genome Aggregation Database (gnomAD). The available evidence is insufficient to determine the role of this variant in disease conclusively. Therefore, this variant is classified as a Variant of Uncertain Significance.

All of Us Research Program, National Institutes of Health
Classification: Uncertain significance for Catecholaminergic polymorphic ventricular tachycardia. Last evaluated: 2023-11-30. Review status: criteria provided, single submitter. Criteria: ACMG Guidelines, 2015. Collection method: clinical testing. Allele origin: germline. Inheritance: Autosomal dominant inheritance. Observed: 1 variant allele, 1 heterozygote.
Comment: This study involves interpretation of variants in research participants for the purpose of population health screening. Participant phenotype was not available at the time of variant classification. Additional details can be found in publication PMID: 35346344, PMCID: PMC8962531

Ambry Genetics
Classification: Uncertain significance for Cardiovascular phenotype. Last evaluated: 2022-12-09. Review status: criteria provided, single submitter. Criteria: Ambry Variant Classification Scheme 2023. Collection method: clinical testing. Allele origin: germline.
Comment: The p.M3296T variant (also known as c.9887T>C), located in coding exon 68 of the RYR2 gene, results from a T to C substitution at nucleotide position 9887. The methionine at codon 3296 is replaced by threonine, an amino acid with similar properties. This amino acid position is highly conserved in available vertebrate species. In addition, this alteration is predicted to be deleterious by in silico analysis. Since supporting evidence is limited at this time, the clinical significance of this alteration remains unclear.

Stanford Center for Inherited Cardiovascular Disease, Stanford University
Classification: Uncertain significance. Last evaluated: 2014-11-10. Review status: criteria provided, single submitter. Criteria: ACMG Guidelines, 2015. Collection method: provider interpretation. Allele origin: germline.

NM_001035.3(RYR2):c.9887T>C (p.Met3296Thr)

Gene: RYR2 (ryanodine receptor 2; plus strand). Cytogenetic location: 1q43.
Variant type: single nucleotide variant.
Coding change: c.9887T>C on transcript NM_001035.3 (MANE Select); coding-DNA position 9887, T replaced by C.
Protein change: p.Met3296Thr; replaces methionine 3296 with threonine.
Molecular consequence: missense variant.
Genome position (GRCh38, 1-based): chr1:237,707,255, T>C. VCF-style: chr1-237707255-T-C. GRCh37 (hg19) VCF-style: chr1-237870555-T-C.
Other names: c.9887T>C, p.Met3296Thr (LRG_402t1); short protein forms M3296T.
Identifiers: ClinVar variation 235056 (VCV000235056.16), dbSNP rs876661390, ClinGen allele CA10581134.
Genomic context (GRCh38, chr1:237,707,255, plus strand): 5'-TTCTAGGGAACATATTGAAAATCATATATAATAACTTGGGGATTGATGAGGGAGCCTGGA[T>C]GAAGAGGCTAGCAGGTAAGAACTGGAAGAAGACATTGTACCCCTGAAATCTGTTTTATTT-3'
Protein context (NP_001026.2, residues 3286-3306): NNLGIDEGAW[Met3296Thr]KRLAVFSQPI